The following is an entry in ClinVar:

NM_004928.3(CFAP410):c.521C>T (p.Pro174Leu)

Gene: CFAP410 (cilia and flagella associated protein 410; minus strand). Cytogenetic location: 21q22.3.
Variant type: single nucleotide variant.
Coding change: c.521C>T on transcript NM_004928.3 (MANE Select); coding-DNA position 521, C replaced by T.
Protein change: p.Pro174Leu; replaces proline 174 with leucine.
Molecular consequence: missense variant.
Genome position (GRCh38, 1-based): chr21:44,331,867, G>A on the plus strand (C>T on the coding strand, the complement: CFAP410 is on the minus strand). VCF-style: chr21-44331867-G-A. GRCh37 (hg19) VCF-style: chr21-45751750-G-A.
Other names: c.521C>T, p.Pro174Leu (NM_001271440.2, NM_001271441.2); c.398C>T, p.Pro133Leu (NM_001271442.1); short protein forms P133L, P174L.
Identifiers: ClinVar variation 4978286 (VCV004978286.1).

ClinVar aggregate classification (germline): Uncertain significance (1 of 4 stars; one submission).

Conditions:
CFAP410-related disorder. Also called: CFAP410-related condition.

gnomAD v4.1: 107 of 1,611,722 alleles (0.0066%); highest among the groups gnomAD compares: Non-Finnish European, 0.0084%; no homozygotes.

Submission:

PreventionGenetics, part of Exact Sciences
Classification: Uncertain significance for CFAP410-related condition. Last evaluated: 2026-02-16. Review status: criteria provided, single submitter. Criteria: ACMG Guidelines, 2015. Collection method: clinical testing. Allele origin: germline.
Comment: The CFAP410 c.521C>T variant is predicted to result in the amino acid substitution p.Pro174Leu. To our knowledge, this variant has not been reported in the literature. This variant is reported in 0.0073% of alleles in individuals of European (Non-Finnish) descent in gnomAD. At this time, the clinical significance of this variant is uncertain due to the absence of conclusive functional and genetic evidence.